The following is an entry in ClinVar:

ClinVar aggregate classification (germline): Pathogenic (1 of 4 stars; one submission).

Conditions:
Neuronal ceroid lipofuscinosis 7 (CLN7). Also called: MFSD8-Related Neuronal Ceroid-Lipofuscinosis. Identifiers: Orphanet 168491, Orphanet 228366, MedGen C1838571, MONDO:0012588, OMIM 610951.

Submission:

Labcorp Genetics (formerly Invitae), Labcorp
Classification: Pathogenic for Neuronal ceroid lipofuscinosis 7. Last evaluated: 2022-09-06. Review status: criteria provided, single submitter. Criteria: Invitae Variant Classification Sherloc (09022015). Collection method: clinical testing. Allele origin: germline.
Comment: For these reasons, this variant has been classified as Pathogenic. This variant disrupts a region of the MFSD8 protein in which other variant(s) (p.Arg482*) have been determined to be pathogenic (PMID: 19177532, 25976102, 28708303; Invitae). This suggests that this is a clinically significant region of the protein, and that variants that disrupt it are likely to be disease-causing. This variant has not been reported in the literature in individuals affected with MFSD8-related conditions. This variant is a gross deletion of the genomic region encompassing exon(s) 10-13 of the MFSD8 gene, which includes the termination codon. This deletion extends beyond the assayed region for this gene and therefore may encompass additional genes. While this deletion is not anticipated to lead to nonsense mediated decay, it is expected to alter mRNA translation or result in a truncated protein product.

Literature cited by the submitters: PubMed 19177532; PubMed 25976102; PubMed 28708303.

NC_000004.11:g.(?_128841785)_(128851992_?)del

Gene: MFSD8 (major facilitator superfamily domain containing 8; minus strand). Cytogenetic location: 4q28.2.
Variant type: Deletion.
Identifiers: ClinVar variation 2427409 (VCV002427409.4).